The following is an entry in ClinVar:

ClinVar aggregate classification (germline): Likely benign. Review status: criteria provided, multiple submitters, no conflicts (2 of 4 stars). 2 submissions from 2 submitters: Likely benign (2). Last evaluated 2024-12-01.

Allele frequency attached by ClinVar (database versions not stated): gnomAD exomes below 0.00001.
gnomAD v4.1: 4 of 1,611,574 alleles (0.00025%); highest among the groups gnomAD compares: Non-Finnish European, 0.00025%; no homozygotes.

Submissions (2):

CeGaT Center for Human Genetics Tuebingen
Classification: Likely benign. Last evaluated: 2024-12-01. Review status: criteria provided, single submitter. Criteria: CeGaT Center For Human Genetics Tuebingen Variant Classification Criteria Version 2. Collection method: clinical testing. Allele origin: germline. Affected: yes. Observed: 1 variant allele.
Comment: DLL1: BP4

Labcorp Genetics (formerly Invitae), Labcorp
Classification: Likely benign. Last evaluated: 2018-04-02. Review status: criteria provided, single submitter. Criteria: Invitae Variant Classification Sherloc (09022015). Collection method: clinical testing. Allele origin: germline.

NM_005618.4(DLL1):c.1854G>A (p.Lys618=)

Gene: DLL1 (delta like canonical Notch ligand 1; minus strand). Cytogenetic location: 6q27.
Variant type: single nucleotide variant.
Coding change: c.1854G>A on transcript NM_005618.4 (MANE Select); coding-DNA position 1854, G replaced by A.
Protein change: p.Lys618=; no amino-acid change (lysine 618 retained).
Molecular consequence: synonymous variant.
Genome position (GRCh38, 1-based): chr6:170,283,425, C>T on the plus strand (G>A on the coding strand, the complement: DLL1 is on the minus strand). VCF-style: chr6-170283425-C-T. GRCh37 (hg19) VCF-style: chr6-170592513-C-T.
Identifiers: ClinVar variation 738434 (VCV000738434.16), dbSNP rs1583151594, ClinGen allele CA453614029.